The following is an entry in ClinVar:

NM_003072.5(SMARCA4):c.1458C>G (p.Phe486Leu)

Gene: SMARCA4 (SWI/SNF related BAF chromatin remodeling complex subunit ATPase 4; plus strand). Cytogenetic location: 19p13.2.
Variant type: single nucleotide variant.
Coding change: c.1458C>G on transcript NM_003072.5 (MANE Select); coding-DNA position 1458, C replaced by G.
Protein change: p.Phe486Leu; replaces phenylalanine 486 with leucine.
Molecular consequence: missense variant. On other transcripts: non-coding transcript variant (1).
Genome position (GRCh38, 1-based): chr19:10,994,866, C>G. VCF-style: chr19-10994866-C-G. GRCh37 (hg19) VCF-style: chr19-11105542-C-G.
Other names: c.1458C>G, p.Phe486Leu (NM_001128844.3, NM_001128845.2, NM_001128846.2 and 5 more transcripts); short protein forms F486L.
Identifiers: ClinVar variation 537769 (VCV000537769.8), dbSNP rs1555762001, ClinGen allele CA404062029.
Genomic context (GRCh38, chr19:10,994,866, plus strand): 5'-TCTCTTTTGTGCTTTCCTGCAGGAATACCTCAATAGCATTCTCCAGCATGCCAAGGATTT[C>G]AAGGAATATCACAGATCCGTCACAGGCAAAATCCAGAAGCTGACCAAGGCAGTGGCCACG-3'
Protein context (NP_003063.2, residues 476-496): LNSILQHAKD[Phe486Leu]KEYHRSVTGK

ClinVar aggregate classification (germline): Uncertain significance (1 of 4 stars; one submission).

Conditions:
Rhabdoid tumor predisposition syndrome 2 (RTPS2). Identifiers: Orphanet 231108, Orphanet 69077, MedGen C2750074, MONDO:0013224, OMIM 613325.

Submission:

Labcorp Genetics (formerly Invitae), Labcorp
Classification: Uncertain significance for Rhabdoid tumor predisposition syndrome 2. Last evaluated: 2025-11-26. Review status: criteria provided, single submitter. Criteria: Invitae Variant Classification Sherloc (09022015). Collection method: clinical testing. Allele origin: germline.
Comment: This sequence change replaces phenylalanine, which is neutral and non-polar, with leucine, which is neutral and non-polar, at codon 486 of the SMARCA4 protein (p.Phe486Leu). This variant is not present in population databases (gnomAD no frequency). This variant has not been reported in the literature in individuals affected with SMARCA4-related conditions. ClinVar contains an entry for this variant (Variation ID: 537769). Invitae Evidence Modeling of protein sequence and biophysical properties (such as structural, functional, and spatial information, amino acid conservation, physicochemical variation, residue mobility, and thermodynamic stability) indicates that this missense variant is not expected to disrupt SMARCA4 protein function with a negative predictive value of 80%. In summary, the available evidence is currently insufficient to determine the role of this variant in disease. Therefore, it has been classified as a Variant of Uncertain Significance.